The following is an entry in ClinVar:

NM_002439.5(MSH3):c.658T>C (p.Ser220Pro)

Gene: MSH3 (mutS homolog 3; plus strand). Cytogenetic location: 5q14.1.
Variant type: single nucleotide variant.
Coding change: c.658T>C on transcript NM_002439.5 (MANE Select); coding-DNA position 658, T replaced by C.
Protein change: p.Ser220Pro; replaces serine 220 with proline.
Molecular consequence: missense variant.
Genome position (GRCh38, 1-based): chr5:80,670,175, T>C. VCF-style: chr5-80670175-T-C. GRCh37 (hg19) VCF-style: chr5-79965994-T-C.
Other names: short protein forms S220P.
Identifiers: ClinVar variation 1433791 (VCV001433791.8), dbSNP rs2112812220, ClinGen allele CA360266661.

ClinVar aggregate classification (germline): Uncertain significance (1 of 4 stars; one submission).

Submission:

Labcorp Genetics (formerly Invitae), Labcorp
Classification: Uncertain significance. Last evaluated: 2021-06-16. Review status: criteria provided, single submitter. Criteria: Invitae Variant Classification Sherloc (09022015). Collection method: clinical testing. Allele origin: germline.
Comment: In summary, the available evidence is currently insufficient to determine the role of this variant in disease. Therefore, it has been classified as a Variant of Uncertain Significance. Algorithms developed to predict the effect of missense changes on protein structure and function output the following: SIFT: "Tolerated"; PolyPhen-2: "Benign"; Align-GVGD: "Class C0". The proline amino acid residue is found in multiple mammalian species, suggesting that this missense change does not adversely affect protein function. These predictions have not been confirmed by published functional studies and their clinical significance is uncertain. This variant has not been reported in the literature in individuals with MSH3-related conditions. This variant is not present in population databases (ExAC no frequency). This sequence change replaces serine with proline at codon 220 of the MSH3 protein (p.Ser220Pro). The serine residue is weakly conserved and there is a moderate physicochemical difference between serine and proline.